The following is an entry in ClinVar:

ClinVar aggregate classification (germline): Pathogenic. Review status: criteria provided, single submitter (1 of 4 stars). 2 submissions from 2 submitters: Pathogenic (1). 1 of the submissions does not count toward it.

Conditions:
Usher syndrome type 1F (USH1F). Also called: USHER SYNDROME, TYPE IF. Identifiers: Orphanet 231169, Orphanet 886, MedGen C1865885, MONDO:0011186, OMIM 602083.
Autosomal recessive nonsyndromic hearing loss 23. Identifiers: Orphanet 90636, MedGen C1836027, MONDO:0012293, OMIM 609533.

Submissions (2):

Genetics Research Center, University of Social Welfare and Rehabilitation Sciences
Classification: Pathogenic for Autosomal recessive nonsyndromic hearing loss 23. Review status: criteria provided, single submitter. Criteria: ACMG Guidelines, 2015. Collection method: research. Allele origin: germline. Affected: yes.
Comment: The variant is not present in the gnomAD v2.1.1 dataset and has been previously reported in individual(s) affected with PCDH15-related hearing loss (PMID:26445815). In silico RNA splicing prediction tools indicate that the variant is likely to alter normal splicing, potentially resulting in loss or disruption of normal protein function.

Counsyl
Classification: Likely pathogenic for Usher syndrome type 1F. Last evaluated: 2018-05-24. Review status: no assertion criteria provided. Collection method: clinical testing. Allele origin: unknown. Not counted in ClinVar's aggregate classification.

Literature cited by the submitters: PubMed 26445815 (cited by Genetics Research Center, University of Social Welfare and Rehabilitation Sciences and Counsyl).

NM_001384140.1(PCDH15):c.3374-1G>T

Gene: PCDH15 (protocadherin related 15; minus strand). Cytogenetic location: 10q21.1.
Variant type: single nucleotide variant.
Coding change: c.3374-1G>T on transcript NM_001384140.1 (MANE Select); the canonical splice acceptor site of the intron before coding-DNA position 3374, G replaced by T.
Molecular consequence: splice acceptor variant.
Genome position (GRCh38, 1-based): chr10:53,903,371, C>A on the plus strand (G>T on the coding strand, the complement: PCDH15 is on the minus strand). VCF-style: chr10-53903371-C-A. GRCh37 (hg19) VCF-style: chr10-55663131-C-A.
Other names: c.3389-1G>T (NM_001142763.2, NM_001142771.2); c.3374-1G>T (NM_001354420.2, NM_001354429.2, NM_001142772.2 and 4 more transcripts); c.3395-1G>T (NM_001354411.2); c.3410-1G>T (NM_001142769.3); c.3308-1G>T (NM_001354404.2, NM_001142773.2, NM_001142768.2); c.3263-1G>T (NM_001142767.2); c.3161-1G>T (NM_001142765.2).
Identifiers: ClinVar variation 558437 (VCV000558437.3), dbSNP rs1554852472, ClinGen allele CA376525991.
Genomic context (GRCh38, chr10:53,903,371, plus strand): 5'-GAAACACTGGGGGATGATTATTTTCATCCTGAATCTCAATGTATACTTTAGCTGTATTGC[C>A]TGGAGGACAAGAAACGATGCATTTTTTATTGGTGGTTATTCATGGGGGAAAAAATGCACT-3'